The following is an entry in ClinVar:

ClinVar aggregate classification (germline): Uncertain significance. Review status: criteria provided, multiple submitters, no conflicts (2 of 4 stars). 2 submissions from 2 submitters: Uncertain significance (2). Last evaluated 2025-05-12.

Conditions:
Cystinuria (CSNU). Also called: CYSTINURIA, TYPE I; CYSTINURIA, TYPE II; CYSTINURIA, TYPE III; Cystinuria, non-type I. Identifiers: Orphanet 214, MedGen C0010691, MONDO:0009067, OMIM 220100, HP:0003131.

Submissions (2):

GeneDx
Classification: Uncertain significance. Last evaluated: 2025-05-12. Review status: criteria provided, single submitter. Criteria: GeneDx Variant Classification Process June 2021. Collection method: clinical testing. Allele origin: germline. Affected: yes.
Comment: Reported with a second variant (phase unknown) in a patient with cystinuria in published literature (PMID: 28646536); In-frame deletion of 1 amino acid in a non-repeat region; Not observed at significant frequency in large population cohorts (gnomAD); In silico analysis supports a deleterious effect on protein structure/function; This variant is associated with the following publications: (PMID: 28646536)

Fulgent Genetics
Classification: Uncertain significance for Cystinuria. Last evaluated: 2024-05-16. Review status: criteria provided, single submitter. Criteria: ACMG Guidelines, 2015. Collection method: clinical testing. Allele origin: germline.

NM_000341.4(SLC3A1):c.1690CTC[1] (p.Leu565del)

Genes: PREPL (prolyl endopeptidase like; minus strand), SLC3A1 (solute carrier family 3 member 1; plus strand). Cytogenetic location: 2p21.
Variant type: Microsatellite.
Coding change: c.1690CTC[1] on transcript NM_000341.4 (MANE Select); one copy of the 3-base unit CTC starting at c.1690; the reference has two copies in a row; one copy, 3 bases deleted; also written c.1693_1695del.
Protein change: p.Leu565del; deletes leucine 565.
Molecular consequence: 3 prime UTR variant (on NM_001171613.2).
Genome position (GRCh38, 1-based): chr2:44,320,274-44,320,276, CTC deleted; deleting any 3 consecutive bases within chr2:44,320,271-44,320,276 gives the same sequence; the position shown is the placement nearest the transcript's 3' end. VCF-style (leftmost placement, unchanged base first): chr2-44320270-ACTC-A. GRCh37 (hg19) VCF-style: chr2-44547409-ACTC-A.
Other names: c.1693_1695del (NM_000341.3, NM_000341.4); c.*1080GAG[1] (NM_001042385.2, NM_001042386.2, NM_001171603.1 and 7 more transcripts); short protein forms L565del.
Identifiers: ClinVar variation 3586688 (VCV003586688.2).